The following is an entry in ClinVar:

NM_001854.4(COL11A1):c.2720G>A (p.Gly907Asp)

Gene: COL11A1 (collagen type XI alpha 1 chain; minus strand). Cytogenetic location: 1p21.1.
Variant type: single nucleotide variant.
Coding change: c.2720G>A on transcript NM_001854.4 (MANE Select); coding-DNA position 2720, G replaced by A.
Protein change: p.Gly907Asp; replaces glycine 907 with aspartic acid.
Molecular consequence: missense variant. On other transcripts: non-coding transcript variant (1).
Genome position (GRCh38, 1-based): chr1:102,978,742, C>T on the plus strand (G>A on the coding strand, the complement: COL11A1 is on the minus strand). VCF-style: chr1-102978742-C-T. GRCh37 (hg19) VCF-style: chr1-103444298-C-T.
Other names: c.2603G>A, p.Gly868Asp (NM_001190709.2); c.2756G>A, p.Gly919Asp (NM_080629.3); c.2372G>A, p.Gly791Asp (NM_080630.4); short protein forms G919D, G791D, G907D, G868D.
Identifiers: ClinVar variation 1481295 (VCV001481295.6), dbSNP rs2101679173, ClinGen allele CA341163013.

ClinVar aggregate classification (germline): Uncertain significance (1 of 4 stars; one submission).

Allele frequency attached by ClinVar (database versions not stated): gnomAD exomes below 0.00001.
gnomAD v4.1: 1 of 1,614,128 alleles (0.000062%); highest among the groups gnomAD compares: Non-Finnish European, 0.000085%; no homozygotes.

Submission:

Labcorp Genetics (formerly Invitae), Labcorp
Classification: Uncertain significance. Last evaluated: 2021-11-28. Review status: criteria provided, single submitter. Criteria: Invitae Variant Classification Sherloc (09022015). Collection method: clinical testing. Allele origin: germline.
Comment: This sequence change replaces glycine, which is neutral and non-polar, with aspartic acid, which is acidic and polar, at codon 907 of the COL11A1 protein (p.Gly907Asp). This variant is not present in population databases (gnomAD no frequency). This variant has not been reported in the literature in individuals affected with COL11A1-related conditions. Advanced modeling of protein sequence and biophysical properties (such as structural, functional, and spatial information, amino acid conservation, physicochemical variation, residue mobility, and thermodynamic stability) performed at Invitae indicates that this missense variant is expected to disrupt COL11A1 protein function. In summary, the available evidence is currently insufficient to determine the role of this variant in disease. Therefore, it has been classified as a Variant of Uncertain Significance.